The following is an entry in ClinVar:

ClinVar aggregate classification (germline): Uncertain significance. Review status: criteria provided, multiple submitters, no conflicts (2 of 4 stars). 2 submissions from 2 submitters: Uncertain significance (2). Last evaluated 2026-03-10.

Conditions:
Inborn genetic diseases. Identifiers: MedGen C0950123, MeSH D030342.
Ellis-van Creveld syndrome (EVC). Also called: Chondroectodermal dysplasia; MESOECTODERMAL DYSPLASIA. Identifiers: Orphanet 289, MedGen C0013903, MONDO:0009162, OMIM 225500.
Curry-Hall syndrome (WAD). Also called: WEYERS ACRODENTAL DYSOSTOSIS. Identifiers: Orphanet 952, MedGen C0457013, MONDO:0008673, OMIM 193530.

gnomAD v4.1: 3 of 1,614,010 alleles (0.00019%); highest among the groups gnomAD compares: Non-Finnish European, 0.00017%; no homozygotes.

Submissions (2):

Ambry Genetics
Classification: Uncertain significance for Inborn genetic diseases. Last evaluated: 2026-03-10. Review status: criteria provided, single submitter. Criteria: Ambry Variant Classification Scheme 2023. Collection method: clinical testing. Allele origin: germline.

Labcorp Genetics (formerly Invitae), Labcorp
Classification: Uncertain significance for Curry-Hall syndrome; Ellis-van Creveld syndrome. Last evaluated: 2021-09-24. Review status: criteria provided, single submitter. Criteria: Invitae Variant Classification Sherloc (09022015). Collection method: clinical testing. Allele origin: germline.
Comment: This sequence change replaces aspartic acid with alanine at codon 797 of the EVC2 protein (p.Asp797Ala). The aspartic acid residue is moderately conserved and there is a moderate physicochemical difference between aspartic acid and alanine. This variant is not present in population databases (ExAC no frequency). This variant has not been reported in the literature in individuals with EVC2-related conditions. Algorithms developed to predict the effect of missense changes on protein structure and function output the following: SIFT: "Tolerated"; PolyPhen-2: "Benign"; Align-GVGD: "Class C0". The alanine amino acid residue is found in multiple mammalian species, suggesting that this missense change does not adversely affect protein function. These predictions have not been confirmed by published functional studies and their clinical significance is uncertain. In summary, the available evidence is currently insufficient to determine the role of this variant in disease. Therefore, it has been classified as a Variant of Uncertain Significance.

NM_147127.5(EVC2):c.2390A>C (p.Asp797Ala)

Gene: EVC2 (EvC ciliary complex subunit 2; minus strand). Cytogenetic location: 4p16.2.
Variant type: single nucleotide variant.
Coding change: c.2390A>C on transcript NM_147127.5 (MANE Select); coding-DNA position 2390, A replaced by C.
Protein change: p.Asp797Ala; replaces aspartic acid 797 with alanine.
Molecular consequence: missense variant.
Genome position (GRCh38, 1-based): chr4:5,622,648, T>G on the plus strand (A>C on the coding strand, the complement: EVC2 is on the minus strand). VCF-style: chr4-5622648-T-G. GRCh37 (hg19) VCF-style: chr4-5624375-T-G.
Other names: c.2150A>C, p.Asp717Ala (NM_001166136.2); c.2390A>C (NM_147127.4); short protein forms D717A, D797A.
Identifiers: ClinVar variation 1379245 (VCV001379245.7), dbSNP rs931667385, ClinGen allele CA91700273.
Genomic context (GRCh38, chr4:5,622,648, plus strand): 5'-GCCTCAGGAGCGTCATCCTTCAGTCTCTGCCTCACGCTCTGGACACCCTCCTGGTCCCTG[T>G]CCCTCTCCTCCCCCTCCAGCTGCTCGGCCCGTGCAGCCATCTCCTTGCCGTGCTCCTCCA-3'
Protein context (NP_667338.3, residues 787-807): RAEQLEGEER[Asp797Ala]RDQEGVQSVR